The following is an entry in ClinVar:

NM_004187.5(KDM5C):c.1151G>A (p.Gly384Asp)

Gene: KDM5C (lysine demethylase 5C; minus strand). Cytogenetic location: Xp11.22.
Variant type: single nucleotide variant.
Coding change: c.1151G>A on transcript NM_004187.5 (MANE Select); coding-DNA position 1151, G replaced by A.
Protein change: p.Gly384Asp; replaces glycine 384 with aspartic acid.
Molecular consequence: missense variant. On other transcripts: non-coding transcript variant (3).
Genome position (GRCh38, 1-based): chrX:53,211,878, C>T on the plus strand (G>A on the coding strand, the complement: KDM5C is on the minus strand). VCF-style: chrX-53211878-C-T. GRCh37 (hg19) VCF-style: chrX-53241060-C-T.
Other names: c.950G>A, p.Gly317Asp (NM_001146702.2); c.1148G>A, p.Gly383Asp (NM_001282622.3, NM_001353979.2, NM_001353982.2); c.1151G>A, p.Gly384Asp (NM_001353978.3, NM_001353981.2, NM_001353984.2); short protein forms G383D, G317D, G384D.
Identifiers: ClinVar variation 3544422 (VCV003544422.1).

ClinVar aggregate classification (germline): Uncertain significance (1 of 4 stars; one submission).

Conditions:
Intellectual developmental disorder, X-linked, syndromic, Claes-Jensen type. Also called: INTELLECTUAL DEVELOPMENTAL DISORDER, X-LINKED, SYNDROMIC 16; MENTAL RETARDATION, X-LINKED, SYNDROMIC 16; Syndromic X-linked intellectual disability Claes-Jensen type. Identifiers: Orphanet 85279, MedGen C1845243, MONDO:0010355, OMIM 300534.

Submission:

Greenwood Genetic Center Diagnostic Laboratories, Greenwood Genetic Center
Classification: Uncertain significance for Intellectual developmental disorder, X-linked, syndromic, Claes-Jensen type. Last evaluated: 2019-01-24. Review status: criteria provided, single submitter. Criteria: ACMG Guidelines, 2015. Collection method: clinical testing. Allele origin: maternal. Affected: yes. Observed: 1 hemizygote.
Comment: PM2, PP3